The following is an entry in ClinVar:

ClinVar aggregate classification (germline): Uncertain significance. Review status: criteria provided, multiple submitters, no conflicts (2 of 4 stars). 3 submissions from 3 submitters: Uncertain significance (3). Last evaluated 2026-07-16.

Conditions:
BBS9-related disorder. Also called: BBS9-related condition.
Bardet-Biedl syndrome (BBS). Identifiers: Orphanet 110, MedGen C0752166, MONDO:0015229.
Inborn genetic diseases. Identifiers: MedGen C0950123, MeSH D030342.

Allele frequency attached by ClinVar (database versions not stated): gnomAD exomes below 0.00001; TOPMed 0.00001.
gnomAD v4.1: 2 of 1,611,710 alleles (0.00012%); highest among the groups gnomAD compares: African/African-American, 0.0013%; no homozygotes.

Submissions (3):

PreventionGenetics, part of Exact Sciences
Classification: Uncertain significance for BBS9-related condition. Last evaluated: 2026-07-16. Review status: criteria provided, single submitter. Criteria: ACMG Guidelines, 2015. Collection method: clinical testing. Allele origin: germline.
Comment: The BBS9 c.114T>G variant is predicted to result in the amino acid substitution p.Asp38Glu. To our knowledge, this variant has not been reported in the literature or in a large population database (gnomAD), indicating this variant is rare. At this time, the clinical significance of this variant is uncertain due to the absence of conclusive functional and genetic evidence.

Ambry Genetics
Classification: Uncertain significance for Inborn genetic diseases. Last evaluated: 2025-12-09. Review status: criteria provided, single submitter. Criteria: Ambry Variant Classification Scheme 2023. Collection method: clinical testing. Allele origin: germline.

Labcorp Genetics (formerly Invitae), Labcorp
Classification: Uncertain significance for Bardet-Biedl syndrome. Last evaluated: 2022-04-28. Review status: criteria provided, single submitter. Criteria: Invitae Variant Classification Sherloc (09022015). Collection method: clinical testing. Allele origin: germline.
Comment: This sequence change replaces aspartic acid, which is acidic and polar, with glutamic acid, which is acidic and polar, at codon 38 of the BBS9 protein (p.Asp38Glu). This variant is not present in population databases (gnomAD no frequency). This variant has not been reported in the literature in individuals affected with BBS9-related conditions. Algorithms developed to predict the effect of missense changes on protein structure and function (SIFT, PolyPhen-2, Align-GVGD) all suggest that this variant is likely to be disruptive. In summary, the available evidence is currently insufficient to determine the role of this variant in disease. Therefore, it has been classified as a Variant of Uncertain Significance.

NM_198428.3(BBS9):c.114T>G (p.Asp38Glu)

Gene: BBS9 (Bardet-Biedl syndrome 9; plus strand). Cytogenetic location: 7p14.3.
Variant type: single nucleotide variant.
Coding change: c.114T>G on transcript NM_198428.3 (MANE Select); coding-DNA position 114, T replaced by G.
Protein change: p.Asp38Glu; replaces aspartic acid 38 with glutamic acid.
Molecular consequence: missense variant. On other transcripts: 5 prime UTR variant (5), non-coding transcript variant (3), intron variant (2).
Genome position (GRCh38, 1-based): chr7:33,152,702, T>G. VCF-style: chr7-33152702-T-G. GRCh37 (hg19) VCF-style: chr7-33192314-T-G.
Other names: c.114T>G (NM_198428.2); c.114T>G, p.Asp38Glu (NM_001033604.2, NM_001033605.2, NM_001348036.1 and 7 more transcripts); c.-188T>G (NM_001348037.3, NM_001348045.3); c.-164T>G (NM_001348038.3, NM_001348039.3); c.-22T>G (NM_001348042.3); c.-39+22661T>G (NM_001348046.3, NM_001348044.3); short protein forms D38E.
Identifiers: ClinVar variation 1992286 (VCV001992286.3), dbSNP rs1793530502, ClinGen allele CA367190183.